The following is an entry in ClinVar:

NM_001004745.2(OR5T1):c.180G>A (p.Pro60=)

Gene: OR5T1 (olfactory receptor family 5 subfamily T member 1; plus strand). Cytogenetic location: 11q12.1.
Variant type: single nucleotide variant.
Coding change: c.180G>A on transcript NM_001004745.2 (MANE Select); coding-DNA position 180, G replaced by A.
Protein change: p.Pro60=; no amino-acid change (proline 60 retained).
Molecular consequence: synonymous variant.
Genome position (GRCh38, 1-based): chr11:56,275,818, G>A. VCF-style: chr11-56275818-G-A. GRCh37 (hg19) VCF-style: chr11-56043294-G-A.
Identifiers: ClinVar variation 4873652 (VCV004873652.2).
Genomic context (GRCh38, chr11:56,275,818, plus strand): 5'-TTTATTATTTTTAGCAATCTATCTATTCACTCTAATAGGCAATTTAGGGCTGGTTGTACC[G>A]ATCATTGGGGATTTCTGGCTTCACAGCCCAATGTACTATTTTCTTGGTGTTTTATCATTC-3'
Protein context (NP_001004745.1, residues 50-70): TLIGNLGLVV[Pro60=]IIGDFWLHSP

ClinVar aggregate classification (germline): Likely benign (1 of 4 stars; one submission).

gnomAD v4.1: 22 of 1,613,230 alleles (0.0014%); highest among the groups gnomAD compares: East Asian, 0.0045%; no homozygotes.

Submission:

CeGaT Center for Human Genetics Tuebingen
Classification: Likely benign. Last evaluated: 2026-06-01. Review status: criteria provided, single submitter. Criteria: CeGaT Center For Human Genetics Tuebingen Variant Classification Criteria Version 2. Collection method: clinical testing. Allele origin: germline. Affected: yes. Observed: 1 variant allele.
Comment: OR5T1: BP4, BP7